The following is an entry in ClinVar:

NM_001080414.4(CCDC88C):c.6054G>A (p.Pro2018=)

Gene: CCDC88C (coiled-coil and HOOK domain protein 88C; minus strand). Cytogenetic location: 14q32.11.
Variant type: single nucleotide variant.
Coding change: c.6054G>A on transcript NM_001080414.4 (MANE Select); coding-DNA position 6054, G replaced by A.
Protein change: p.Pro2018=; no amino-acid change (proline 2018 retained).
Molecular consequence: synonymous variant.
Genome position (GRCh38, 1-based): chr14:91,272,658, C>T on the plus strand (G>A on the coding strand, the complement: CCDC88C is on the minus strand). VCF-style: chr14-91272658-C-T. GRCh37 (hg19) VCF-style: chr14-91739002-C-T.
Identifiers: ClinVar variation 1981206 (VCV001981206.28), dbSNP rs370072154, ClinGen allele CA7308514.

ClinVar aggregate classification (germline): Likely benign. Review status: criteria provided, multiple submitters, no conflicts (2 of 4 stars). 2 submissions from 2 submitters: Likely benign (2). Last evaluated 2026-01-26.

Allele frequency attached by ClinVar (database versions not stated): ExAC 0.00004; ESP Exome Variant Server 0.00009; gnomAD 0.00015; 1000 Genomes Project 0.00020; TOPMed 0.00020; 1000 Genomes Project 30x 0.00031.
gnomAD v4.1: 79 of 1,611,268 alleles (0.0049%); highest among the groups gnomAD compares: African/African-American, 0.053%; no homozygotes.

Submissions (2):

Labcorp Genetics (formerly Invitae), Labcorp
Classification: Likely benign. Last evaluated: 2026-01-26. Review status: criteria provided, single submitter. Criteria: Invitae Variant Classification Sherloc (09022015). Collection method: clinical testing. Allele origin: germline.

CeGaT Center for Human Genetics Tuebingen
Classification: Likely benign. Last evaluated: 2022-03-01. Review status: criteria provided, single submitter. Criteria: CeGaT Center For Human Genetics Tuebingen Variant Classification Criteria Version 2. Collection method: clinical testing. Allele origin: germline. Affected: yes. Observed: 1 variant allele.
Comment: CCDC88C: BP4, BP7